The following is an entry in ClinVar:

ClinVar aggregate classification (germline): Uncertain significance (1 of 4 stars; one submission).

Allele frequency attached by ClinVar (database versions not stated): gnomAD exomes below 0.00001; TOPMed below 0.00001.
gnomAD v4.1: 1 of 1,613,652 alleles (0.000062%); highest among the groups gnomAD compares: Non-Finnish European, 0.000085%; no homozygotes.

Submission:

Labcorp Genetics (formerly Invitae), Labcorp
Classification: Uncertain significance. Last evaluated: 2021-12-07. Review status: criteria provided, single submitter. Criteria: Invitae Variant Classification Sherloc (09022015). Collection method: clinical testing. Allele origin: germline.
Comment: This sequence change replaces serine, which is neutral and polar, with asparagine, which is neutral and polar, at codon 553 of the LRRC8A protein (p.Ser553Asn). This variant is not present in population databases (gnomAD no frequency). In summary, the available evidence is currently insufficient to determine the role of this variant in disease. Therefore, it has been classified as a Variant of Uncertain Significance. Algorithms developed to predict the effect of missense changes on protein structure and function (SIFT, PolyPhen-2, Align-GVGD) all suggest that this variant is likely to be disruptive. This variant has not been reported in the literature in individuals affected with LRRC8A-related conditions.

NM_019594.4(LRRC8A):c.1658G>A (p.Ser553Asn)

Gene: LRRC8A (leucine rich repeat containing 8 VRAC subunit A; plus strand). Cytogenetic location: 9q34.11.
Variant type: single nucleotide variant.
Coding change: c.1658G>A on transcript NM_019594.4 (MANE Select); coding-DNA position 1658, G replaced by A.
Protein change: p.Ser553Asn; replaces serine 553 with asparagine.
Molecular consequence: missense variant.
Genome position (GRCh38, 1-based): chr9:128,908,822, G>A. VCF-style: chr9-128908822-G-A. GRCh37 (hg19) VCF-style: chr9-131671101-G-A.
Other names: c.1658G>A, p.Ser553Asn (NM_001127244.2, NM_001127245.2); short protein forms S553N.
Identifiers: ClinVar variation 1356722 (VCV001356722.6), dbSNP rs1032985352, ClinGen allele CA200416319.
Genomic context (GRCh38, chr9:128,908,822, plus strand): 5'-GCTACATCGTCATCGACGGGCTGCGGGAGCTCAAACGCCTCAAGGTGCTGCGGCTCAAGA[G>A]CAACCTAAGCAAGCTGCCACAGGTGGTCACAGATGTGGGCGTGCACCTGCAGAAGCTGTC-3'
Protein context (NP_062540.2, residues 543-563): LKRLKVLRLK[Ser553Asn]NLSKLPQVVT